The following is an entry in ClinVar:

NM_020247.5(COQ8A):c.401C>G (p.Ala134Gly)

Gene: COQ8A (coenzyme Q8A; plus strand). Cytogenetic location: 1q42.13.
Variant type: single nucleotide variant.
Coding change: c.401C>G on transcript NM_020247.5 (MANE Select); coding-DNA position 401, C replaced by G.
Protein change: p.Ala134Gly; replaces alanine 134 with glycine.
Molecular consequence: missense variant.
Genome position (GRCh38, 1-based): chr1:226,965,223, C>G. VCF-style: chr1-226965223-C-G. GRCh37 (hg19) VCF-style: chr1-227152924-C-G.
Other names: short protein forms A134G.
Identifiers: ClinVar variation 1355494 (VCV001355494.6), dbSNP rs1553276975, ClinGen allele CA345050278.

ClinVar aggregate classification (germline): Uncertain significance (1 of 4 stars; one submission).

Submission:

Labcorp Genetics (formerly Invitae), Labcorp
Classification: Uncertain significance. Last evaluated: 2021-05-20. Review status: criteria provided, single submitter. Criteria: Invitae Variant Classification Sherloc (09022015). Collection method: clinical testing. Allele origin: germline.
Comment: In summary, the available evidence is currently insufficient to determine the role of this variant in disease. Therefore, it has been classified as a Variant of Uncertain Significance. Advanced modeling of protein sequence and biophysical properties (such as structural, functional, and spatial information, amino acid conservation, physicochemical variation, residue mobility, and thermodynamic stability) performed at Invitae indicates that this missense variant is not expected to disrupt COQ8A protein function. This variant has not been reported in the literature in individuals with COQ8A-related conditions. This variant is not present in population databases (ExAC no frequency). This sequence change replaces alanine with glycine at codon 134 of the COQ8A protein (p.Ala134Gly). The alanine residue is moderately conserved and there is a small physicochemical difference between alanine and glycine.